The following is an entry in ClinVar:

ClinVar aggregate classification (germline): Uncertain significance (1 of 4 stars; one submission).

Submission:

Labcorp Genetics (formerly Invitae), Labcorp
Classification: Uncertain significance. Last evaluated: 2023-07-07. Review status: criteria provided, single submitter. Criteria: Invitae Variant Classification Sherloc (09022015). Collection method: clinical testing. Allele origin: germline.
Comment: This variant, c.1107_1109dup, results in the insertion of 1 amino acid(s) of the CTBP1 protein (p.Val370dup), but otherwise preserves the integrity of the reading frame. In summary, the available evidence is currently insufficient to determine the role of this variant in disease. Therefore, it has been classified as a Variant of Uncertain Significance. This variant has not been reported in the literature in individuals affected with CTBP1-related conditions. This variant is not present in population databases (gnomAD no frequency).

NM_001012614.2(CTBP1):c.1071CGT[3] (p.Val359_His360insVal)

Genes: CTBP1 (C-terminal binding protein 1; minus strand), CTBP1-AS (CTBP1 antisense RNA; plus strand). Cytogenetic location: 4p16.3.
Variant type: Microsatellite.
Coding change: c.1071CGT[3] on transcript NM_001012614.2 (MANE Select); three copies in a row of the 3-base unit CGT starting at c.1071; the reference has two copies in a row; one copy, 3 bases duplicated.
Protein change: p.Val359_His360insVal.
Molecular consequence: inframe insertion.
Genome position (GRCh38, 1-based): chr4:1,212,943-1,212,945, ACG duplicated on the plus strand (CGT on the coding strand, the reverse complement: CTBP1 is on the minus strand); duplicating any 3 consecutive bases within chr4:1,212,943-1,212,948 gives the same sequence; the position shown is the placement nearest the transcript's 3' end. VCF-style (leftmost placement, unchanged base first): chr4-1212942-C-CACG. GRCh37 (hg19) VCF-style: chr4-1206730-C-CACG.
Other names: c.1104CGT[3], p.Val370_His371insVal (NM_001328.3, NM_001377186.1); c.1071CGT[3], p.Val359_His360insVal (NM_001377187.1, NM_001377188.1, NM_001377189.1 and 4 more transcripts).
Identifiers: ClinVar variation 2792689 (VCV002792689.3), dbSNP rs2535018292, ClinGen allele CA2669506694.